The following is an entry in ClinVar:

NC_000016.9:g.(?_135799)_(143324_148142)dup

Genes: MPG (N-methylpurine DNA glycosylase; plus strand), NPRL3 (NPR3 like, GATOR1 complex subunit; minus strand). Cytogenetic location: 16p13.3.
Variant type: Duplication.
Identifiers: ClinVar variation 2503955 (VCV002503955.1).

ClinVar aggregate classification (germline): Uncertain significance (1 of 4 stars; one submission).

Submission:

Women's Health and Genetics/Laboratory Corporation of America, LabCorp
Classification: Uncertain significance. Last evaluated: 2023-04-17. Review status: criteria provided, single submitter. Criteria: LabCorp Variant Classification Summary - May 2015. Collection method: clinical testing. Allele origin: germline.
Comment: Variant summary: The variant identified by MLPA or other technology involves the duplication of exons 10-15 in the C16orf35 (NPRL3) gene. A presumed nomenclature of c.(924+1_925-1)_(*905_?)dup has been designated for the purposes of this classification. It has been assumed that this is a tandem duplication in direct orientation (Richardson_GIM_2018, Newman_AJHG_2015). Although exact breakpoints of this CNV are not known, it is expected to result in a large duplication change including the last exon of the C16orf35 gene. The variant was absent in 21686 control chromosomes (gnomAD, Structural Variants Dataset). The available data on variant occurrences in the general population are insufficient to allow any conclusion about variant significance. To our knowledge, no occurrence of c.(924+1_925-1)_(*905_?)dup in individuals affected with Epilepsy, Familial Focal, With Variable Foci 3 and no experimental evidence demonstrating its impact on protein function have been reported. No clinical diagnostic laboratories have submitted clinical-significance assessments for this variant to ClinVar after 2014. Based on the evidence outlined above, the variant was classified as uncertain significance.